The following is an entry in ClinVar:

ClinVar aggregate classification (germline): Conflicting classifications of pathogenicity. Review status: criteria provided, conflicting classifications (1 of 4 stars). 2 submissions from 2 submitters: Uncertain significance (1); Likely benign (1). Last evaluated 2026-06-26.

Conditions:
Sessile serrated polyposis cancer syndrome (SSPCS). Identifiers: Orphanet 157798, MedGen C4310714, MONDO:0014919, OMIM 617108.

Allele frequency attached by ClinVar (database versions not stated): TOPMed below 0.00001.

Submissions (2):

Myriad Genetics, Inc.
Classification: Likely benign for Sessile serrated polyposis cancer syndrome. Last evaluated: 2026-06-26. Review status: criteria provided, single submitter. Criteria: Myriad Autosomal Dominant, Autosomal Recessive and X-Linked Classification Criteria (2023). Collection method: clinical testing. Allele origin: unknown.
Comment: This variant is considered likely benign. This variant is intronic and is not expected to impact mRNA splicing.

Labcorp Genetics (formerly Invitae), Labcorp
Classification: Uncertain significance. Last evaluated: 2021-09-25. Review status: criteria provided, single submitter. Criteria: Invitae Variant Classification Sherloc (09022015). Collection method: clinical testing. Allele origin: germline.
Comment: In summary, the available evidence is currently insufficient to determine the role of this variant in disease. Therefore, it has been classified as a Variant of Uncertain Significance. Variants that disrupt the consensus splice site are a relatively common cause of aberrant splicing (PMID: 17576681, 9536098). Algorithms developed to predict the effect of sequence changes on RNA splicing suggest that this variant is not likely to affect RNA splicing. This variant has not been reported in the literature in individuals affected with RNF43-related conditions. This variant is not present in population databases (ExAC no frequency). This sequence change falls in intron 6 of the RNF43 gene. It does not directly change the encoded amino acid sequence of the RNF43 protein. It affects a nucleotide within the consensus splice site of the intron.

Literature cited by the submitters: PubMed 17576681 (cited by Labcorp Genetics (formerly Invitae), Labcorp); PubMed 9536098 (cited by Labcorp Genetics (formerly Invitae), Labcorp).

NM_017763.6(RNF43):c.687+3G>A

Gene: RNF43 (ring finger protein 43; minus strand). Cytogenetic location: 17q22.
Variant type: single nucleotide variant.
Coding change: c.687+3G>A on transcript NM_017763.6 (MANE Select); 3 bases into the intron after coding-DNA position 687, G replaced by A.
Molecular consequence: intron variant.
Genome position (GRCh38, 1-based): chr17:58,362,541, C>T on the plus strand (G>A on the coding strand, the complement: RNF43 is on the minus strand). VCF-style: chr17-58362541-C-T. GRCh37 (hg19) VCF-style: chr17-56439902-C-T.
Other names: c.687+3G>A (NM_001438822.1, NM_001305544.3, NM_001438820.1 and 1 more transcripts); c.306+3G>A (NM_001305545.2, NM_001437987.1).
Identifiers: ClinVar variation 1450287 (VCV001450287.7), dbSNP rs1972858493, ClinGen allele CA2267671650.